The following is an entry in ClinVar:

NM_018062.4(FANCL):c.217-11T>C

Gene: FANCL (FA complementation group L; minus strand). Cytogenetic location: 2p16.1.
Variant type: single nucleotide variant.
Coding change: c.217-11T>C on transcript NM_018062.4 (MANE Select); 11 bases into the intron before coding-DNA position 217, T replaced by C.
Molecular consequence: intron variant.
Genome position (GRCh38, 1-based): chr2:58,226,795, A>G on the plus strand (T>C on the coding strand, the complement: FANCL is on the minus strand). VCF-style: chr2-58226795-A-G. GRCh37 (hg19) VCF-style: chr2-58453930-A-G.
Other names: c.217-11T>C (NM_001374615.1, NM_001114636.2, NM_001410792.1).
Identifiers: ClinVar variation 257493 (VCV000257493.15), dbSNP rs79588315, ClinGen allele CA1670734.

ClinVar aggregate classification (germline): Benign. Review status: criteria provided, multiple submitters, no conflicts (2 of 4 stars). 8 submissions from 8 submitters: Benign (8). Last evaluated 2025-07-10.

Conditions:
Fanconi anemia complementation group L (FANCL). Also called: FANCL-Related Fanconi Anemia. Identifiers: Orphanet 84, MedGen C3469528, MONDO:0013566, OMIM 614083.

Allele frequency attached by ClinVar (database versions not stated): 1000 Genomes Project 0.04273; 1000 Genomes Project 30x 0.04325; TOPMed 0.06229; gnomAD 0.06462 and 0.06493; gnomAD exomes 0.06779 and 0.08567; ExAC 0.07156; ESP Exome Variant Server 0.07623.
gnomAD v4.1: 134,340 of 1,605,374 alleles (8.4%); highest among the groups gnomAD compares: Non-Finnish European, 9.6%; 6,241 homozygotes.

Submissions 1 to 31 of 117:

GeneKor MSA
Classification: Benign for Fanconi anemia complementation group L. Last evaluated: 2025-07-10. Review status: criteria provided, single submitter. Criteria: ACMG Guidelines, 2015. Collection method: clinical testing. Allele origin: germline.

ARUP Laboratories, Molecular Genetics and Genomics, ARUP Laboratories
Classification: Benign for Fanconi anemia complementation group L. Last evaluated: 2025-06-11. Review status: criteria provided, single submitter. Criteria: ARUP Molecular Germline Variant Investigation Process 2024. Collection method: clinical testing. Allele origin: germline.

Blueprint Genetics
Classification: Benign. Last evaluated: 2024-11-26. Review status: criteria provided, single submitter. Criteria: ACMG Guidelines, 2015. Collection method: clinical testing. Allele origin: germline.

KCCC/NGS Laboratory, Kuwait Cancer Control Center
Classification: Benign for Fanconi anemia complementation group L. Last evaluated: 2023-07-07. Review status: criteria provided, single submitter. Criteria: ACMG Guidelines, 2015. Collection method: clinical testing. Allele origin: germline. Affected: yes.

GeneDx
Classification: Benign. Last evaluated: 2019-01-10. Review status: criteria provided, single submitter. Criteria: GeneDx Variant Classification Process June 2021. Collection method: clinical testing. Allele origin: germline. Affected: yes.

Illumina Laboratory Services, Illumina
Classification: Benign for Fanconi anemia complementation group L. Last evaluated: 2018-01-13. Review status: criteria provided, single submitter. Criteria: ICSL Variant Classification Criteria 13 December 2019. Collection method: clinical testing. Allele origin: germline.
Comment: This variant was observed in the ICSL laboratory as part of a predisposition screen in an ostensibly healthy population. It had not been previously curated by ICSL or reported in the Human Gene Mutation Database (HGMD: prior to June 1st, 2018), and was therefore a candidate for classification through an automated scoring system. Utilizing variant allele frequency, disease prevalence and penetrance estimates, and inheritance mode, an automated score was calculated to assess if this variant is too frequent to cause the disease. Based on the score and internal cut-off values, a variant classified as benign is not then subjected to further curation. The score for this variant resulted in a classification of benign for this disease.

Breakthrough Genomics
Classification: Benign. Review status: criteria provided, single submitter. Criteria: ACMG Guidelines, 2015. Collection method: not provided. Allele origin: germline. Inheritance: Autosomal recessive inheritance. Affected: yes.

PreventionGenetics, part of Exact Sciences
Classification: Benign. Review status: criteria provided, single submitter. Criteria: ACMG Guidelines, 2015. Collection method: clinical testing. Allele origin: germline.

Dr. Peter K. Rogan Lab, Western University
No classification provided (evidence only). Condition: Familial cancer of breast. Review status: no classification provided. Collection method: in vitro. Allele origin: not applicable. Functional consequence: retained intron. Not counted in ClinVar's aggregate classification.

Dr. Peter K. Rogan Lab, Western University
No classification provided (evidence only). Condition: Malignant lymphoma, large B-cell, diffuse. Review status: no classification provided. Collection method: in vitro. Allele origin: not applicable. Functional consequence: skipped exon. Not counted in ClinVar's aggregate classification.

Dr. Peter K. Rogan Lab, Western University
No classification provided (evidence only). Condition: Malignant lymphoma, large B-cell, diffuse. Review status: no classification provided. Collection method: in vitro. Allele origin: not applicable. Functional consequence: skipped exon. Not counted in ClinVar's aggregate classification.

Dr. Peter K. Rogan Lab, Western University
No classification provided (evidence only). Condition: Malignant lymphoma, large B-cell, diffuse. Review status: no classification provided. Collection method: in vitro. Allele origin: not applicable. Functional consequence: skipped exon. Not counted in ClinVar's aggregate classification.

Dr. Peter K. Rogan Lab, Western University
No classification provided (evidence only). Condition: Malignant lymphoma, large B-cell, diffuse. Review status: no classification provided. Collection method: in vitro. Allele origin: not applicable. Functional consequence: skipped exon. Not counted in ClinVar's aggregate classification.

Dr. Peter K. Rogan Lab, Western University
No classification provided (evidence only). Condition: Malignant lymphoma, large B-cell, diffuse. Review status: no classification provided. Collection method: in vitro. Allele origin: not applicable. Functional consequence: skipped exon. Not counted in ClinVar's aggregate classification.

Dr. Peter K. Rogan Lab, Western University
No classification provided (evidence only). Condition: Malignant lymphoma, large B-cell, diffuse. Review status: no classification provided. Collection method: in vitro. Allele origin: not applicable. Functional consequence: skipped exon, retained intron. Not counted in ClinVar's aggregate classification.

Dr. Peter K. Rogan Lab, Western University
No classification provided (evidence only). Condition: Malignant lymphoma, large B-cell, diffuse. Review status: no classification provided. Collection method: in vitro. Allele origin: not applicable. Functional consequence: skipped exon. Not counted in ClinVar's aggregate classification.

Dr. Peter K. Rogan Lab, Western University
No classification provided (evidence only). Condition: Thymoma. Review status: no classification provided. Collection method: in vitro. Allele origin: not applicable. Functional consequence: skipped exon. Not counted in ClinVar's aggregate classification.

Dr. Peter K. Rogan Lab, Western University
No classification provided (evidence only). Condition: Thymoma. Review status: no classification provided. Collection method: in vitro. Allele origin: not applicable. Functional consequence: skipped exon. Not counted in ClinVar's aggregate classification.

Dr. Peter K. Rogan Lab, Western University
No classification provided (evidence only). Condition: Thymoma. Review status: no classification provided. Collection method: in vitro. Allele origin: not applicable. Functional consequence: skipped exon. Not counted in ClinVar's aggregate classification.

Dr. Peter K. Rogan Lab, Western University
No classification provided (evidence only). Condition: Thymoma. Review status: no classification provided. Collection method: in vitro. Allele origin: not applicable. Functional consequence: skipped exon, retained intron. Not counted in ClinVar's aggregate classification.

Dr. Peter K. Rogan Lab, Western University
No classification provided (evidence only). Condition: Thymoma. Review status: no classification provided. Collection method: in vitro. Allele origin: not applicable. Functional consequence: skipped exon, retained intron. Not counted in ClinVar's aggregate classification.

Dr. Peter K. Rogan Lab, Western University
No classification provided (evidence only). Condition: Thymoma. Review status: no classification provided. Collection method: in vitro. Allele origin: not applicable. Functional consequence: skipped exon. Not counted in ClinVar's aggregate classification.

Dr. Peter K. Rogan Lab, Western University
No classification provided (evidence only). Condition: Thymoma. Review status: no classification provided. Collection method: in vitro. Allele origin: not applicable. Functional consequence: skipped exon, retained intron. Not counted in ClinVar's aggregate classification.

Dr. Peter K. Rogan Lab, Western University
No classification provided (evidence only). Condition: Thymoma. Review status: no classification provided. Collection method: in vitro. Allele origin: not applicable. Functional consequence: skipped exon. Not counted in ClinVar's aggregate classification.

Dr. Peter K. Rogan Lab, Western University
No classification provided (evidence only). Condition: Thymoma. Review status: no classification provided. Collection method: in vitro. Allele origin: not applicable. Functional consequence: skipped exon. Not counted in ClinVar's aggregate classification.

Dr. Peter K. Rogan Lab, Western University
No classification provided (evidence only). Condition: Thymoma. Review status: no classification provided. Collection method: in vitro. Allele origin: not applicable. Functional consequence: skipped exon, retained intron. Not counted in ClinVar's aggregate classification.

Dr. Peter K. Rogan Lab, Western University
No classification provided (evidence only). Condition: Thymoma. Review status: no classification provided. Collection method: in vitro. Allele origin: not applicable. Functional consequence: skipped exon, retained intron. Not counted in ClinVar's aggregate classification.

Dr. Peter K. Rogan Lab, Western University
No classification provided (evidence only). Condition: Thymoma. Review status: no classification provided. Collection method: in vitro. Allele origin: not applicable. Functional consequence: skipped exon. Not counted in ClinVar's aggregate classification.

Dr. Peter K. Rogan Lab, Western University
No classification provided (evidence only). Condition: Thymoma. Review status: no classification provided. Collection method: in vitro. Allele origin: not applicable. Functional consequence: skipped exon, retained intron. Not counted in ClinVar's aggregate classification.

Dr. Peter K. Rogan Lab, Western University
No classification provided (evidence only). Condition: Thymoma. Review status: no classification provided. Collection method: in vitro. Allele origin: not applicable. Functional consequence: skipped exon. Not counted in ClinVar's aggregate classification.

Dr. Peter K. Rogan Lab, Western University
No classification provided (evidence only). Condition: Thymoma. Review status: no classification provided. Collection method: in vitro. Allele origin: not applicable. Functional consequence: skipped exon. Not counted in ClinVar's aggregate classification.